The following is an entry in ClinVar:

ClinVar aggregate classification (germline): Uncertain significance. Review status: criteria provided, multiple submitters, no conflicts (2 of 4 stars). 2 submissions from 2 submitters: Uncertain significance (2). Last evaluated 2025-06-18.

Allele frequency attached by ClinVar (database versions not stated): TOPMed 0.00001.

Submissions (2):

Ambry Genetics
Classification: Uncertain significance. Last evaluated: 2025-06-18. Review status: criteria provided, single submitter. Criteria: Ambry Variant Classification Scheme 2023. Collection method: clinical testing. Allele origin: germline.

Labcorp Genetics (formerly Invitae), Labcorp
Classification: Uncertain significance. Last evaluated: 2019-12-27. Review status: criteria provided, single submitter. Criteria: Invitae Variant Classification Sherloc (09022015). Collection method: clinical testing. Allele origin: germline.
Comment: In summary, the available evidence is currently insufficient to determine the role of this variant in disease. Therefore, it has been classified as a Variant of Uncertain Significance. Algorithms developed to predict the effect of missense changes on protein structure and function are either unavailable or do not agree on the potential impact of this missense change (SIFT: "Deleterious"; PolyPhen-2: "Benign"; Align-GVGD: "Class C0"). This variant has not been reported in the literature in individuals with PITPNM3-related conditions. This variant is not present in population databases (ExAC no frequency). This sequence change replaces arginine with histidine at codon 389 of the PITPNM3 protein (p.Arg389His). The arginine residue is highly conserved and there is a small physicochemical difference between arginine and histidine.

NM_031220.4(PITPNM3):c.1166G>A (p.Arg389His)

Gene: PITPNM3 (PITPNM family member 3; minus strand). Cytogenetic location: 17p13.2.
Variant type: single nucleotide variant.
Coding change: c.1166G>A on transcript NM_031220.4 (MANE Select); coding-DNA position 1166, G replaced by A.
Protein change: p.Arg389His; replaces arginine 389 with histidine.
Molecular consequence: missense variant.
Genome position (GRCh38, 1-based): chr17:6,474,524, C>T on the plus strand (G>A on the coding strand, the complement: PITPNM3 is on the minus strand). VCF-style: chr17-6474524-C-T. GRCh37 (hg19) VCF-style: chr17-6377844-C-T.
Other names: c.1058G>A, p.Arg353His (NM_001165966.2); short protein forms R353H, R389H.
Identifiers: ClinVar variation 839148 (VCV000839148.11), dbSNP rs950339689, ClinGen allele CA287318112.
Genomic context (GRCh38, chr17:6,474,524, plus strand): 5'-GCCAGGACCAGGCCCAGTGGCGAGCCGAAGAGGAAGAAGTCGGACACATCGAAGTCAAAG[C>T]GGCCCAGGCTGACCTCAGGGAGCTGCGGCCCCCCAGCCGCCGGGGTCTCAGACTCATCCT-3'
Protein context (NP_112497.2, residues 379-399): GPQLPEVSLG[Arg389His]FDFDVSDFFL